The following is an entry in ClinVar:

ClinVar aggregate classification (germline): Likely benign. Review status: criteria provided, multiple submitters, no conflicts (2 of 4 stars). 2 submissions from 2 submitters: Likely benign (2). Last evaluated 2024-09-06.

Conditions:
Autosomal dominant childhood-onset proximal spinal muscular atrophy with contractures (SMALED2A). Also called: Spinal muscular atrophy, lower extremity-predominant, 2A, autosomal dominant; SPINAL MUSCULAR ATROPHY, LOWER EXTREMITY-PREDOMINANT, 2A, CHILDHOOD ONSET, AUTOSOMAL DOMINANT. Identifiers: Orphanet 363447, Orphanet 363454, MedGen C4747715, MONDO:0014121, OMIM 615290.

Allele frequency attached by ClinVar (database versions not stated): gnomAD 0.00001; gnomAD exomes 0.00001; TOPMed 0.00001.
gnomAD v4.1: 32 of 1,613,858 alleles (0.002%); highest among the groups gnomAD compares: South Asian, 0.0033%; no homozygotes.

Submissions (2):

Labcorp Genetics (formerly Invitae), Labcorp
Classification: Likely benign for Autosomal dominant childhood-onset proximal spinal muscular atrophy with contractures. Last evaluated: 2024-09-06. Review status: criteria provided, single submitter. Criteria: Invitae Variant Classification Sherloc (09022015). Collection method: clinical testing. Allele origin: germline.

CeGaT Center for Human Genetics Tuebingen
Classification: Likely benign. Last evaluated: 2024-09-01. Review status: criteria provided, single submitter. Criteria: CeGaT Center For Human Genetics Tuebingen Variant Classification Criteria Version 2. Collection method: clinical testing. Allele origin: germline. Affected: yes. Observed: 1 variant allele.
Comment: BICD2: BP4, BP7

NM_001003800.2(BICD2):c.1002C>T (p.Ser334=)

Gene: BICD2 (BICD cargo adaptor 2; minus strand). Cytogenetic location: 9q22.31.
Variant type: single nucleotide variant.
Coding change: c.1002C>T on transcript NM_001003800.2 (MANE Select); coding-DNA position 1002, C replaced by T.
Protein change: p.Ser334=; no amino-acid change (serine 334 retained).
Molecular consequence: synonymous variant.
Genome position (GRCh38, 1-based): chr9:92,720,360, G>A on the plus strand (C>T on the coding strand, the complement: BICD2 is on the minus strand). VCF-style: chr9-92720360-G-A. GRCh37 (hg19) VCF-style: chr9-95482642-G-A.
Other names: c.1002C>T, p.Ser334= (NM_015250.4).
Identifiers: ClinVar variation 1090417 (VCV001090417.23), dbSNP rs1403546969, ClinGen allele CA466343339.